The following is an entry in ClinVar:

ClinVar aggregate classification (germline): Uncertain significance. Review status: criteria provided, multiple submitters, no conflicts (2 of 4 stars). 2 submissions from 2 submitters: Uncertain significance (2). Last evaluated 2023-09-05.

Allele frequency attached by ClinVar (database versions not stated): TOPMed below 0.00001; ExAC 0.00001.

Submissions (2):

Labcorp Genetics (formerly Invitae), Labcorp
Classification: Uncertain significance. Last evaluated: 2023-09-05. Review status: criteria provided, single submitter. Criteria: Invitae Variant Classification Sherloc (09022015). Collection method: clinical testing. Allele origin: germline.
Comment: This variant has not been reported in the literature in individuals affected with DVL3-related conditions. ClinVar contains an entry for this variant (Variation ID: 2504901). Advanced modeling of protein sequence and biophysical properties (such as structural, functional, and spatial information, amino acid conservation, physicochemical variation, residue mobility, and thermodynamic stability) performed at Invitae indicates that this missense variant is not expected to disrupt DVL3 protein function. In summary, the available evidence is currently insufficient to determine the role of this variant in disease. Therefore, it has been classified as a Variant of Uncertain Significance. This variant is present in population databases (rs772005139, gnomAD 0.003%). This sequence change replaces serine, which is neutral and polar, with asparagine, which is neutral and polar, at codon 41 of the DVL3 protein (p.Ser41Asn).

GeneDx
Classification: Uncertain significance. Last evaluated: 2022-12-06. Review status: criteria provided, single submitter. Criteria: GeneDx Variant Classification Process June 2021. Collection method: clinical testing. Allele origin: germline. Affected: yes.
Comment: In silico analysis supports that this missense variant does not alter protein structure/function; Has not been previously published as pathogenic or benign to our knowledge

NM_004423.4(DVL3):c.122G>A (p.Ser41Asn)

Gene: DVL3 (dishevelled segment polarity protein 3; plus strand). Cytogenetic location: 3q27.1.
Variant type: single nucleotide variant.
Coding change: c.122G>A on transcript NM_004423.4 (MANE Select); coding-DNA position 122, G replaced by A.
Protein change: p.Ser41Asn; replaces serine 41 with asparagine.
Molecular consequence: missense variant.
Genome position (GRCh38, 1-based): chr3:184,155,757, G>A. VCF-style: chr3-184155757-G-A. GRCh37 (hg19) VCF-style: chr3-183873545-G-A.
Other names: short protein forms S41N.
Identifiers: ClinVar variation 2504901 (VCV002504901.4), dbSNP rs772005139, ClinGen allele CA2726970.